The following is an entry in ClinVar:

ClinVar aggregate classification (germline): Uncertain significance (1 of 4 stars; one submission).

Conditions:
Familial infantile myasthenia (CMS6). Also called: Congenital myasthenic syndrome type 6; MYASTHENIC SYNDROME, PRESYNAPTIC, CONGENITAL, ASSOCIATED WITH EPISODIC APNEA; MYASTHENIC SYNDROME, CONGENITAL, 6, PRESYNAPTIC. Identifiers: Orphanet 590, MedGen C0393929, MONDO:0009689, OMIM 254210.

Allele frequency attached by ClinVar (database versions not stated): gnomAD exomes below 0.00001; ExAC 0.00001.
gnomAD v4.1: 1 of 1,614,220 alleles (0.000062%); highest among the groups gnomAD compares: Non-Finnish European, 0.000085%; no homozygotes.

Submission:

Labcorp Genetics (formerly Invitae), Labcorp
Classification: Uncertain significance for Familial infantile myasthenia. Last evaluated: 2020-02-03. Review status: criteria provided, single submitter. Criteria: Invitae Variant Classification Sherloc (09022015). Collection method: clinical testing. Allele origin: germline.
Comment: Algorithms developed to predict the effect of missense changes on protein structure and function are either unavailable or do not agree on the potential impact of this missense change (SIFT: "Tolerated"; PolyPhen-2: "Probably Damaging"; Align-GVGD: "Class C0"). In summary, the available evidence is currently insufficient to determine the role of this variant in disease. Therefore, it has been classified as a Variant of Uncertain Significance. Algorithms developed to predict the effect of sequence changes on RNA splicing suggest that this variant may create or strengthen a splice site, but this prediction has not been confirmed by published transcriptional studies. This variant has not been reported in the literature in individuals with CHAT-related conditions. This variant is present in population databases (rs765840442, ExAC 0.001%). This sequence change replaces alanine with valine at codon 631 of the CHAT protein (p.Ala631Val). The alanine residue is highly conserved and there is a small physicochemical difference between alanine and valine.

NM_020549.5(CHAT):c.1892C>T (p.Ala631Val)

Gene: CHAT (choline O-acetyltransferase; plus strand). Cytogenetic location: 10q11.23.
Variant type: single nucleotide variant.
Coding change: c.1892C>T on transcript NM_020549.5 (MANE Select); coding-DNA position 1892, C replaced by T.
Protein change: p.Ala631Val; replaces alanine 631 with valine.
Molecular consequence: missense variant.
Genome position (GRCh38, 1-based): chr10:49,662,697, C>T. VCF-style: chr10-49662697-C-T. GRCh37 (hg19) VCF-style: chr10-50870743-C-T.
Other names: c.1538C>T, p.Ala513Val (NM_001142929.2, NM_001142934.2, NM_020984.4 and 2 more transcripts); c.1646C>T, p.Ala549Val (NM_001142933.2); short protein forms A549V, A631V, A513V.
Identifiers: ClinVar variation 1037385 (VCV001037385.7), dbSNP rs765840442, ClinGen allele CA5497663.
Genomic context (GRCh38, chr10:49,662,697, plus strand): 5'-CTACACAGGCCATAACAGGGATGGCCATTGACAACCACCTGCTGGCACTGCGGGAGCTGG[C>T]CCGGGCCATGTGCAAGGAGCTGCCCGAGATGTTCATGGATGAAACCTACCTGATGAGCAA-3'
Protein context (NP_065574.4, residues 621-641): DNHLLALREL[Ala631Val]RAMCKELPEM